The following is an entry in ClinVar:

NM_000092.5(COL4A4):c.1118G>A (p.Gly373Glu)

Gene: COL4A4 (collagen type IV alpha 4 chain; minus strand). Cytogenetic location: 2q36.3.
Variant type: single nucleotide variant.
Coding change: c.1118G>A on transcript NM_000092.5 (MANE Select); coding-DNA position 1118, G replaced by A.
Protein change: p.Gly373Glu; replaces glycine 373 with glutamic acid.
Molecular consequence: missense variant.
Genome position (GRCh38, 1-based): chr2:227,098,780, C>T on the plus strand (G>A on the coding strand, the complement: COL4A4 is on the minus strand). VCF-style: chr2-227098780-C-T. GRCh37 (hg19) VCF-style: chr2-227963496-C-T.
Other names: short protein forms G373E.
Identifiers: ClinVar variation 447179 (VCV000447179.12), dbSNP rs755649235, ClinGen allele CA2145272.
Genomic context (GRCh38, chr2:227,098,780, plus strand): 5'-AAGAGACCTGGGGGACCAGGTGGTCCAACATCCCCTGTTTCTCCATAGCGGCCAGGGAAC[C>T]CTGGGTCCCCTGGTGGGCCTGCCAAAGATAATGGTACATGAGAATAAACAAATGGTATGT-3'
Protein context (NP_000083.3, residues 363-383): LPLKGPPGDP[Gly373Glu]FPGRYGETGD

ClinVar aggregate classification (germline): Conflicting classifications of pathogenicity. Review status: criteria provided, conflicting classifications (1 of 4 stars). 9 submissions from 8 submitters: Pathogenic (3); Likely pathogenic (4); Uncertain significance (1). 1 of the submissions does not count toward it. Last evaluated 2026-06-19.

Conditions:
Autosomal recessive Alport syndrome (ATS2). Also called: COL4A4 Alport Syndrome and Thin Basement Membrane Nephropathy; Alport syndrome type 2; COL4A3-Related Nephropathy; ALPORT SYNDROME 2, AUTOSOMAL RECESSIVE. Identifiers: Orphanet 63, Orphanet 88919, MedGen C4746745, MONDO:0008762, OMIM 203780.
Benign familial hematuria. Also called: thin basement membrane disease. Identifiers: MedGen C0241908, MONDO:0957317.
Hematuria, benign familial, 1 (BFH1). Also called: THIN MEMBRANE NEPHROPATHY. Identifiers: MedGen CN376803, MONDO:0007709, OMIM 141200.
COL4A4-related disorder.
Alport syndrome. Also called: Hemorrhagic familial nephritis; Hemorrhagic hereditary nephritis; Congenital hereditary hematuria. Identifiers: Orphanet 63, MedGen C1567741, MONDO:0018965.

Allele frequency attached by ClinVar (database versions not stated): gnomAD 0.00001; ExAC 0.00001; gnomAD exomes 0.00001 and 0.00003; TOPMed 0.00001.
gnomAD v4.1: 37 of 1,613,872 alleles (0.0023%); highest among the groups gnomAD compares: Non-Finnish European, 0.0031%; no homozygotes.

Submissions (9):

PreventionGenetics, part of Exact Sciences
Classification: Pathogenic for COL4A4-related condition. Last evaluated: 2026-06-19. Review status: criteria provided, single submitter. Criteria: ACMG Guidelines, 2015. Collection method: clinical testing. Allele origin: germline.
Comment: The COL4A4 c.1118G>A variant is predicted to result in the amino acid substitution p.Gly373Glu. The p.Gly373Glu variant affects a glycine (Gly) residue of the conserved triple helical domain (residues 65 – 1459) of the COL4A4 protein, where substitutions of the glycine (Gly) residue are usually pathogenic (Hudson et al. 1993. PubMed ID: 8253711). This variant has been reported along with a COL4A4 nonsense variant in an individual with autosomal recessive Alport syndrome (Patient 26, Supplementary Table 1, Morinière et al. 2014. PubMed ID: 24854265). Moreover, at other glycine (Gly) residues within this domain, substitutions of a glycine (Gly) with a glutamic acid (Glu) have been reported in individuals with autosomal recessive or dominant COL4A4-related Alport syndrome spectrum disorders (see for example, autosomal recessive, p.Gly152Glu at Supplementary Table 1 of Morinière et al. 2014. PubMed ID: 24854265; autosomal dominant, p.Gly602Glu in Isaranuwatchai et al. 2023. PubMed ID: 36646731). The c.1118G>A (p.Gly373Glu) variant is reported in 0.0018% of alleles in individuals of European (Non-Finnish) descent in gnomAD. This variant is interpreted as pathogenic for both autosomal dominant and recessive COL4A4-related Alport syndrome spectrum disorders.

Myriad Genetics, Inc.
Classification: Pathogenic for Alport syndrome. Last evaluated: 2025-09-29. Review status: criteria provided, single submitter. Criteria: Myriad Autosomal Dominant, Autosomal Recessive and X-Linked Classification Criteria (2023). Collection method: clinical testing. Allele origin: unknown.
Comment: NM_000092.4(COL4A4):c.1118G>A(G373E) is a missense variant classified as pathogenic in the context of Alport syndrome, COL4A4-related. G373E has been observed in cases with relevant disease (PMID: 24854265, 39558648). Relevant functional assessments of this variant are not available in the literature. Internal structural analysis of the variant is supportive of pathogenicity. G373E has been observed in referenced population frequency databases. In summary, NM_000092.4(COL4A4):c.1118G>A(G373E) is a missense variant that has been observed more frequently in cases with the relevant disease than in healthy populations. Please note: this variant was assessed in the context of healthy population screening.

Blueprint Genetics
Classification: Likely pathogenic for COL4A4-related disorders. Last evaluated: 2024-07-24. Review status: criteria provided, single submitter. Criteria: ACMG Guidelines, 2015. Collection method: clinical testing. Allele origin: germline. Affected: yes. Observed: 1 variant allele.

Fulgent Genetics
Classification: Likely pathogenic for Hematuria, benign familial, 1; Autosomal recessive Alport syndrome. Last evaluated: 2024-05-17. Review status: criteria provided, single submitter. Criteria: ACMG Guidelines, 2015. Collection method: clinical testing. Allele origin: germline.

GeneDx
Classification: Likely pathogenic. Last evaluated: 2023-08-09. Review status: criteria provided, single submitter. Criteria: GeneDx Variant Classification Process June 2021. Collection method: clinical testing. Allele origin: germline. Affected: yes.
Comment: Affects a glycine residue in a Gly-X-Y motif in the triple helical region of the COL4A4 gene, where the majority of pathogenic missense variants occur, and is predicted to disrupt normal protein folding and function (HGMD, Jais et al., 2000) (PMIDs 10752524); Not observed at significant frequency in large population cohorts (gnomAD); In silico analysis supports that this missense variant has a deleterious effect on protein structure/function; This variant is associated with the following publications: (PMID: 24854265)

Labcorp Genetics (formerly Invitae), Labcorp
Classification: Uncertain significance. Last evaluated: 2022-11-28. Review status: criteria provided, single submitter. Criteria: Invitae Variant Classification Sherloc (09022015). Collection method: clinical testing. Allele origin: germline.
Comment: ClinVar contains an entry for this variant (Variation ID: 447179). This missense change has been observed in individual(s) with clinical features of autosomal recessive Alport syndrome (PMID: 24854265). This variant is present in population databases (rs755649235, gnomAD 0.002%). This sequence change replaces glycine, which is neutral and non-polar, with glutamic acid, which is acidic and polar, at codon 373 of the COL4A4 protein (p.Gly373Glu). Advanced modeling of protein sequence and biophysical properties (such as structural, functional, and spatial information, amino acid conservation, physicochemical variation, residue mobility, and thermodynamic stability) performed at Invitae indicates that this missense variant is expected to disrupt COL4A4 protein function. In summary, the available evidence is currently insufficient to determine the role of this variant in disease. Therefore, it has been classified as a Variant of Uncertain Significance.

Fulgent Genetics
Classification: Likely pathogenic for Hematuria, benign familial, 1; Autosomal recessive Alport syndrome. Last evaluated: 2021-06-30. Review status: criteria provided, single submitter. Criteria: ACMG Guidelines, 2015. Collection method: clinical testing. Allele origin: unknown.
Comment: This variant has been detected in individual(s) who were sent for testing of Renasight - kidney gene panel.

Athena Diagnostics
Classification: Pathogenic. Last evaluated: 2015-09-28. Review status: criteria provided, single submitter. Criteria: Athena Diagnostics Criteria. Collection method: clinical testing. Allele origin: germline.

Counsyl
Classification: Likely pathogenic for Autosomal recessive Alport syndrome. Last evaluated: 2017-03-22. Review status: no assertion criteria provided. Collection method: clinical testing. Allele origin: unknown. Not counted in ClinVar's aggregate classification.

Literature cited by the submitters: PubMed 24854265 (cited by 4 submitters); PubMed 39558648 (cited by Myriad Genetics, Inc.).